The following is an entry in ClinVar:

NM_000520.6(HEXA):c.806G>A (p.Gly269Asp)

Gene: HEXA (hexosaminidase subunit alpha; minus strand). Cytogenetic location: 15q23.
Variant type: single nucleotide variant.
Coding change: c.806G>A on transcript NM_000520.6 (MANE Select); coding-DNA position 806, G replaced by A.
Protein change: p.Gly269Asp; replaces glycine 269 with aspartic acid.
Molecular consequence: missense variant. On other transcripts: non-coding transcript variant (1).
Genome position (GRCh38, 1-based): chr15:72,349,259, C>T on the plus strand (G>A on the coding strand, the complement: HEXA is on the minus strand). VCF-style: chr15-72349259-C-T. GRCh37 (hg19) VCF-style: chr15-72641600-C-T.
Other names: c.839G>A, p.Gly280Asp (NM_001318825.2); c.806G>A (NM_000520.5); short protein forms G280D, G269D.
Identifiers: ClinVar variation 842051 (VCV000842051.12), dbSNP rs2088664194, ClinGen allele CA393062754.
Genomic context (GRCh38, chr15:72,349,259, plus strand): 5'-GGTCCAAAGGTGCCAGAGGGCTCAGACCCAGAGTAGCAAGGAGTCAGTAATCCAGGGATA[C>T]CTAAGCCAAGAGAAAACCCCATATGAGTGTCACAAATACATAAACCCCCACGCACAGTCC-3'
Protein context (NP_000511.2, residues 259-279): TPGHTLSWGP[Gly269Asp]IPGLLTPCYS

ClinVar aggregate classification (germline): Likely pathogenic. Review status: criteria provided, multiple submitters, no conflicts (2 of 4 stars). 2 submissions from 2 submitters: Likely pathogenic (2). Last evaluated 2025-01-22.

Conditions:
Tay-Sachs disease (TSD). Also called: GM2 gangliosidosis, type 1; Hexosaminidase alpha-subunit deficiency (variant B); Sphingolipidosis, Tay-Sachs; HEXA Disorders; HEXA DEFICIENCY; Hexosaminidase A Deficiency. Identifiers: Orphanet 845, MedGen C0039373, MONDO:0010100, OMIM 272800.

Allele frequency attached by ClinVar (database versions not stated): TOPMed below 0.00001; gnomAD exomes 0.00001.
gnomAD v4.1: 13 of 1,613,526 alleles (0.00081%); highest among the groups gnomAD compares: Non-Finnish European, 0.0011%; no homozygotes.

Submissions (2):

Natera, Inc.
Classification: Likely pathogenic for Tay-Sachs disease. Last evaluated: 2025-01-22. Review status: criteria provided, single submitter. Criteria: Natera Variant Classification Schema (03/2026). Collection method: clinical testing. Allele origin: germline.
Comment: The c.806G>A variant in HEXA is a missense variant predicted to cause substitution of glycine to aspartic acid at amino acid 269. This variant is rare in the general population with a frequency below the threshold expected for the associated phenotype(s). This variant has been observed in one or more individuals affected with the associated recessive disease, as either homozygous or compound heterozygous with a second variant (PMID: 31076878). A different variant at the same position has been determined to be Pathogenic or Likely Pathogenic. Computational prediction algorithms indicate this variant is likely to affect gene or protein function. Given the available evidence, this variant is classified as Likely Pathogenic.

Labcorp Genetics (formerly Invitae), Labcorp
Classification: Likely pathogenic for Tay-Sachs disease. Last evaluated: 2023-03-31. Review status: criteria provided, single submitter. Criteria: Invitae Variant Classification Sherloc (09022015). Collection method: clinical testing. Allele origin: germline.
Comment: This missense change has been observed in individual(s) with Tay-Sachs disease (PMID: 31076878). This variant is not present in population databases (gnomAD no frequency). This sequence change replaces glycine, which is neutral and non-polar, with aspartic acid, which is acidic and polar, at codon 269 of the HEXA protein (p.Gly269Asp). ClinVar contains an entry for this variant (Variation ID: 842051). In summary, the currently available evidence indicates that the variant is pathogenic, but additional data are needed to prove that conclusively. Therefore, this variant has been classified as Likely Pathogenic. This variant disrupts the p.Gly269 amino acid residue in HEXA. Other variant(s) that disrupt this residue have been determined to be pathogenic (PMID: 2522679, 20363167). This suggests that this residue is clinically significant, and that variants that disrupt this residue are likely to be disease-causing. An algorithm developed to predict the effect of missense changes on protein structure and function (PolyPhen-2) suggests that this variant is likely to be disruptive.

Literature cited by the submitters: PubMed 31076878 (cited by Natera, Inc. and Labcorp Genetics (formerly Invitae), Labcorp); PubMed 2522679 (cited by Labcorp Genetics (formerly Invitae), Labcorp); PubMed 20363167 (cited by Labcorp Genetics (formerly Invitae), Labcorp).